The following is an entry in ClinVar:

ClinVar aggregate classification (germline): Benign/Likely benign. Review status: criteria provided, multiple submitters, no conflicts (2 of 4 stars). 4 submissions from 4 submitters: Benign (1); Likely benign (3). Last evaluated 2025-04-30.

Conditions:
Tuberous sclerosis 1 (TSC1). Identifiers: Orphanet 805, MedGen C1854465, MONDO:0008612, OMIM 191100.
Tuberous sclerosis syndrome (TSC). Also called: Tuberous Sclerosis Complex; Tuberous sclerosis. Identifiers: Orphanet 805, MedGen C0041341, MONDO:0001734.
Hereditary cancer-predisposing syndrome. Also called: Hereditary Cancer Syndrome; Neoplastic Syndromes, Hereditary; Hereditary neoplastic syndrome; Tumor predisposition. Identifiers: Orphanet 140162, MedGen C0027672, MeSH D009386, MONDO:0015356.

Submissions (4):

Myriad Genetics, Inc.
Classification: Benign for Tuberous sclerosis 1. Last evaluated: 2025-04-30. Review status: criteria provided, single submitter. Criteria: Myriad Autosomal Dominant, Autosomal Recessive and X-Linked Classification Criteria (2023). Collection method: clinical testing. Allele origin: unknown.
Comment: This variant is considered benign. This variant is a silent/synonymous amino acid change and it is not expected to impact splicing.

Ambry Genetics
Classification: Likely benign for Hereditary cancer-predisposing syndrome. Last evaluated: 2025-04-14. Review status: criteria provided, single submitter. Criteria: Ambry Variant Classification Scheme 2023. Collection method: clinical testing. Allele origin: germline.

All of Us Research Program, National Institutes of Health
Classification: Likely benign for Tuberous sclerosis syndrome. Last evaluated: 2023-12-13. Review status: criteria provided, single submitter. Criteria: ACMG Guidelines, 2015. Collection method: clinical testing. Allele origin: germline. Inheritance: Autosomal dominant inheritance. Observed: 1 variant allele, 1 heterozygote.
Comment: This study involves interpretation of variants in research participants for the purpose of population health screening. Participant phenotype was not available at the time of variant classification. Additional details can be found in publication PMID: 35346344, PMCID: PMC8962531

Labcorp Genetics (formerly Invitae), Labcorp
Classification: Likely benign for Tuberous sclerosis 1. Last evaluated: 2022-05-17. Review status: criteria provided, single submitter. Criteria: Invitae Variant Classification Sherloc (09022015). Collection method: clinical testing. Allele origin: germline.

NM_000368.5(TSC1):c.3315T>C (p.Asp1105=)

Gene: TSC1 (TSC complex subunit 1; minus strand). Cytogenetic location: 9q34.13.
Variant type: single nucleotide variant.
Coding change: c.3315T>C on transcript NM_000368.5 (MANE Select); coding-DNA position 3315, T replaced by C.
Protein change: p.Asp1105=; no amino-acid change (aspartic acid 1105 retained).
Molecular consequence: synonymous variant. On other transcripts: non-coding transcript variant (5).
Genome position (GRCh38, 1-based): chr9:132,896,415, A>G on the plus strand (T>C on the coding strand, the complement: TSC1 is on the minus strand). VCF-style: chr9-132896415-A-G. GRCh37 (hg19) VCF-style: chr9-135771802-A-G.
Other names: c.2952T>C, p.Asp984= (NM_001406614.1, NM_001406615.1, NM_001406616.1 and 4 more transcripts); c.3159T>C, p.Asp1053= (NM_001406611.1, NM_001406612.1); c.3117T>C, p.Asp1039= (NM_001406613.1); c.3270T>C, p.Asp1090= (NM_001406609.1, NM_001406608.1); c.3162T>C, p.Asp1054= (NM_001406610.1, NM_001162427.2); c.3273T>C, p.Asp1091= (NM_001406606.1, NM_001406607.1, NM_001406605.1); c.3297T>C, p.Asp1099= (NM_001406603.1, NM_001406604.1); c.2949T>C, p.Asp983= (NM_001406622.1, NM_001406623.1, NM_001406620.1 and 1 more transcripts); and 8 more.
Identifiers: ClinVar variation 1986930 (VCV001986930.7), dbSNP rs2131594829, ClinGen allele CA467813202.